The following is an entry in ClinVar:

NM_001165963.4(SCN1A):c.218T>C (p.Val73Ala)

Gene: SCN1A (sodium voltage-gated channel alpha subunit 1; minus strand). Cytogenetic location: 2q24.3.
Variant type: single nucleotide variant.
Coding change: c.218T>C on transcript NM_001165963.4 (MANE Select); coding-DNA position 218, T replaced by C.
Protein change: p.Val73Ala; replaces valine 73 with alanine.
Molecular consequence: missense variant. On other transcripts: 5 prime UTR variant (1), non-coding transcript variant (1).
Genome position (GRCh38, 1-based): chr2:166,073,404, A>G on the plus strand (T>C on the coding strand, the complement: SCN1A is on the minus strand). VCF-style: chr2-166073404-A-G. GRCh37 (hg19) VCF-style: chr2-166929914-A-G.
Other names: c.218T>C, p.Val73Ala (NM_001165964.3, NM_001202435.3, NM_001353948.2 and 10 more transcripts); c.-2208T>C (NM_001353961.2); short protein forms V73A.
Identifiers: ClinVar variation 3634071 (VCV003634071.2).

ClinVar aggregate classification (germline): Uncertain significance (1 of 4 stars; one submission).

Conditions:
Early-infantile DEE. Also called: Early infantile epileptic encephalopathy; Ohtahara syndrome; Early infantile epileptic encephalopathy with suppression bursts. Identifiers: Orphanet 1934, MedGen C0393706, MONDO:0800491.

Submission:

Labcorp Genetics (formerly Invitae), Labcorp
Classification: Uncertain significance for Early-infantile DEE. Last evaluated: 2024-06-29. Review status: criteria provided, single submitter. Criteria: Invitae Variant Classification Sherloc (09022015). Collection method: clinical testing. Allele origin: germline.
Comment: This sequence change replaces valine, which is neutral and non-polar, with alanine, which is neutral and non-polar, at codon 73 of the SCN1A protein (p.Val73Ala). This variant is not present in population databases (gnomAD no frequency). This variant has not been reported in the literature in individuals affected with SCN1A-related conditions. Advanced modeling of protein sequence and biophysical properties (such as structural, functional, and spatial information, amino acid conservation, physicochemical variation, residue mobility, and thermodynamic stability) performed at Invitae indicates that this missense variant is expected to disrupt SCN1A protein function with a positive predictive value of 80%. In summary, the available evidence is currently insufficient to determine the role of this variant in disease. Therefore, it has been classified as a Variant of Uncertain Significance.